The following is an entry in ClinVar:

ClinVar aggregate classification (germline): Uncertain significance (1 of 4 stars; one submission).

Conditions:
Inborn genetic diseases. Identifiers: MedGen C0950123, MeSH D030342.

Submission:

Ambry Genetics
Classification: Uncertain significance for Inborn genetic diseases. Last evaluated: 2025-11-16. Review status: criteria provided, single submitter. Criteria: Ambry Variant Classification Scheme 2023. Collection method: clinical testing. Allele origin: germline.
Comment: The p.D370G variant (also known as c.1109A>G), located in coding exon 12 of the RTEL1 gene, results from an A to G substitution at nucleotide position 1109. The aspartic acid at codon 370 is replaced by glycine, an amino acid with similar properties. This amino acid position is conserved. In addition, the in silico prediction for this alteration is inconclusive. Based on the available evidence, the clinical significance of this variant remains unclear.

NM_001283009.2(RTEL1):c.1109A>G (p.Asp370Gly)

Genes: RTEL1 (regulator of telomere elongation helicase 1; plus strand), RTEL1-TNFRSF6B (RTEL1-TNFRSF6B readthrough (NMD candidate); plus strand). Cytogenetic location: 20q13.33.
Variant type: single nucleotide variant.
Coding change: c.1109A>G on transcript NM_001283009.2 (MANE Select); coding-DNA position 1109, A replaced by G.
Protein change: p.Asp370Gly; replaces aspartic acid 370 with glycine.
Molecular consequence: missense variant. On other transcripts: non-coding transcript variant (1).
Genome position (GRCh38, 1-based): chr20:63,679,920, A>G. VCF-style: chr20-63679920-A-G. GRCh37 (hg19) VCF-style: chr20-62311273-A-G.
Other names: c.440A>G, p.Asp147Gly (NM_001283010.1); c.1109A>G, p.Asp370Gly (NM_016434.4); c.1181A>G, p.Asp394Gly (NM_032957.5); short protein forms D394G, D147G, D370G.
Identifiers: ClinVar variation 4629612 (VCV004629612.1).